The following is an entry in ClinVar:

ClinVar aggregate classification (germline): Conflicting classifications of pathogenicity. Review status: criteria provided, conflicting classifications (1 of 4 stars). 3 submissions from 3 submitters: Pathogenic (2); Uncertain significance (1). Last evaluated 2023-05-15.

Conditions:
Familial adenomatous polyposis 1 (FAP1). Also called: FAMILIAL ADENOMATOUS POLYPOSIS 1, ATTENUATED; POLYPOSIS, ADENOMATOUS INTESTINAL. Identifiers: MedGen C2713442, MONDO:0021056, OMIM 175100. Disease mechanism: loss of function.
Hereditary cancer-predisposing syndrome. Also called: Tumor predisposition; Hereditary Cancer Syndrome; Hereditary neoplastic syndrome; Neoplastic Syndromes, Hereditary. Identifiers: Orphanet 140162, MedGen C0027672, MeSH D009386, MONDO:0015356.

Submissions (3):

Labcorp Genetics (formerly Invitae), Labcorp
Classification: Pathogenic for Familial adenomatous polyposis 1. Last evaluated: 2023-05-15. Review status: criteria provided, single submitter. Criteria: Invitae Variant Classification Sherloc (09022015). Collection method: clinical testing. Allele origin: germline.
Comment: For these reasons, this variant has been classified as Pathogenic. ClinVar contains an entry for this variant (Variation ID: 537477). This variant has not been reported in the literature in individuals affected with APC-related conditions. This variant is not present in population databases (gnomAD no frequency). This sequence change creates a premature translational stop signal (p.Ser5Tyrfs*6) in the APC gene. It is expected to result in an absent or disrupted protein product. Loss-of-function variants in APC are known to be pathogenic (PMID: 17963004, 20685668).

Myriad Genetics, Inc.
Classification: Pathogenic for Familial adenomatous polyposis 1. Last evaluated: 2023-04-24. Review status: criteria provided, single submitter. Criteria: Myriad Autosomal Dominant, Autosomal Recessive and X-Linked Classification Criteria (2023). Collection method: clinical testing. Allele origin: unknown.
Comment: This variant is considered pathogenic. This variant creates a frameshift predicted to result in premature protein truncation.

Ambry Genetics
Classification: Uncertain significance for Hereditary cancer-predisposing syndrome. Last evaluated: 2019-11-27. Review status: criteria provided, single submitter. Criteria: Ambry Variant Classification Scheme 2023. Collection method: clinical testing. Allele origin: germline.
Comment: The c.14delC variant, located in coding exon 1 of the APC gene, results from a deletion of one nucleotide at nucleotide position 14, causing a translational frameshift with a predicted alternate stop codon (p.S5Yfs*6). This alteration is expected to result in loss of function by premature protein truncation or nonsense-mediated mRNA decay; however, this alteration and other loss-of-function alterations that occur at the extreme N-terminus of APC have been observed in numerous individuals who do not have a personal or family history that is consistent with or suggestive of APC-associated disease (Ambry internal data). This suggests the use of an alternate translation initiation site which could be imparted by the second, in-frame methionine located at p.M18. Evidence for the use of this methionine or the functional characteristics of an APC protein lacking amino acids 1-17 have not been published. Since supporting evidence is limited at this time, the clinical significance of this alteration remains unclear.

Literature cited by the submitters: PubMed 17963004 (cited by Labcorp Genetics (formerly Invitae), Labcorp); PubMed 20685668 (cited by Labcorp Genetics (formerly Invitae), Labcorp).

NM_000038.6(APC):c.14del (p.Ser5fs)

Gene: APC (APC regulator of Wnt signaling pathway; plus strand). Cytogenetic location: 5q22.2.
Variant type: Deletion.
Coding change: c.14del on transcript NM_000038.6 (MANE Select); coding-DNA position 14, one base deleted (C; older notation c.14delC).
Protein change: p.Ser5fs; shifts the reading frame from serine 5.
Molecular consequence: frameshift variant. On other transcripts: 5 prime UTR variant (1), intron variant (8).
Genome position (GRCh38, 1-based): chr5:112,754,904, C deleted. VCF-style (leftmost placement, unchanged base first): chr5-112754903-TC-T. GRCh37 (hg19) VCF-style: chr5-112090600-TC-T.
Other names: c.14del, p.Ser5fs (NM_001127510.3, NM_001354895.2, NM_001354896.2 and 2 more transcripts); c.-1022del (NM_001354906.2); c.166-11422del (NM_001354897.2, NM_001354902.2, NM_001127511.3); c.61-11422del (NM_001354898.2, NM_001354904.2); c.-42-11422del (NM_001354900.2, NM_001354901.2, NM_001354905.2); short protein forms S5fs.
Identifiers: ClinVar variation 537477 (VCV000537477.11), dbSNP rs1554067104, ClinGen allele CA658796564.